The following is an entry in ClinVar:

ClinVar aggregate classification (germline): Uncertain significance (1 of 4 stars; one submission).

Submission:

Labcorp Genetics (formerly Invitae), Labcorp
Classification: Uncertain significance. Last evaluated: 2023-10-09. Review status: criteria provided, single submitter. Criteria: Invitae Variant Classification Sherloc (09022015). Collection method: clinical testing. Allele origin: germline.
Comment: This sequence change replaces glycine, which is neutral and non-polar, with valine, which is neutral and non-polar, at codon 947 of the COL4A2 protein (p.Gly947Val). This variant is not present in population databases (gnomAD no frequency). This variant has not been reported in the literature in individuals affected with COL4A2-related conditions. Advanced modeling of protein sequence and biophysical properties (such as structural, functional, and spatial information, amino acid conservation, physicochemical variation, residue mobility, and thermodynamic stability) has been performed at Invitae for this missense variant, however the output from this modeling did not meet the statistical confidence thresholds required to predict the impact of this variant on COL4A2 protein function. In summary, the available evidence is currently insufficient to determine the role of this variant in disease. Therefore, it has been classified as a Variant of Uncertain Significance.

NM_001846.4(COL4A2):c.2840G>T (p.Gly947Val)

Gene: COL4A2 (collagen type IV alpha 2 chain; plus strand). Cytogenetic location: 13q34.
Variant type: single nucleotide variant.
Coding change: c.2840G>T on transcript NM_001846.4 (MANE Select); coding-DNA position 2840, G replaced by T.
Protein change: p.Gly947Val; replaces glycine 947 with valine.
Molecular consequence: missense variant.
Genome position (GRCh38, 1-based): chr13:110,482,597, G>T. VCF-style: chr13-110482597-G-T. GRCh37 (hg19) VCF-style: chr13-111134944-G-T.
Other names: short protein forms G947V.
Identifiers: ClinVar variation 2767276 (VCV002767276.3), dbSNP rs2502163697, ClinGen allele CA388727396.